The following is an entry in ClinVar:

ClinVar aggregate classification (germline): Likely benign. Review status: criteria provided, multiple submitters, no conflicts (2 of 4 stars). 2 submissions from 2 submitters: Likely benign (2). Last evaluated 2021-11-22.

Allele frequency attached by ClinVar (database versions not stated): gnomAD exomes below 0.00001; TOPMed below 0.00001.
gnomAD v4.1: 1 of 1,613,702 alleles (0.000062%); highest among the groups gnomAD compares: African/African-American, 0.0013%; no homozygotes.

Submissions (2):

Labcorp Genetics (formerly Invitae), Labcorp
Classification: Likely benign. Last evaluated: 2021-11-22. Review status: criteria provided, single submitter. Criteria: Invitae Variant Classification Sherloc (09022015). Collection method: clinical testing. Allele origin: germline.

GeneDx
Classification: Likely benign. Last evaluated: 2017-06-01. Review status: criteria provided, single submitter. Criteria: GeneDx Variant Classification (06012015). Collection method: clinical testing. Allele origin: germline. Affected: yes.
Comment: This variant is considered likely benign or benign based on one or more of the following criteria: it is a conservative change, it occurs at a poorly conserved position in the protein, it is predicted to be benign by multiple in silico algorithms, and/or has population frequency not consistent with disease.

NM_005006.7(NDUFS1):c.1708+19A>G

Gene: NDUFS1 (NADH:ubiquinone oxidoreductase core subunit S1; minus strand). Cytogenetic location: 2q33.3.
Variant type: single nucleotide variant.
Coding change: c.1708+19A>G on transcript NM_005006.7 (MANE Select); 19 bases into the intron after coding-DNA position 1708, A replaced by G.
Molecular consequence: intron variant.
Genome position (GRCh38, 1-based): chr2:206,130,069, T>C on the plus strand (A>G on the coding strand, the complement: NDUFS1 is on the minus strand). VCF-style: chr2-206130069-T-C. GRCh37 (hg19) VCF-style: chr2-206994793-T-C.
Other names: c.1375+19A>G (NM_001199982.2); c.1537+19A>G (NM_001199983.2); c.1600+19A>G (NM_001199981.2); c.1750+19A>G (NM_001199984.2).
Identifiers: ClinVar variation 509770 (VCV000509770.8), dbSNP rs1171270909, ClinGen allele CA658796148.
Genomic context (GRCh38, chr2:206,130,069, plus strand): 5'-CTAAATATATTACTAAATGGTTTCTAACATACATAATGTACTACTCTCTTTTGTTTCTGG[T>C]GTCACAGGTGATACTTACCTTGATAAATAATGAAACAATCCTTTGGCAAATCCTGTCGTG-3'